The following is an entry in ClinVar:

NM_001110556.2(FLNA):c.6048G>A (p.Thr2016=)

Gene: FLNA (filamin A; minus strand). Cytogenetic location: Xq28.
Variant type: single nucleotide variant.
Coding change: c.6048G>A on transcript NM_001110556.2 (MANE Select); coding-DNA position 6048, G replaced by A.
Protein change: p.Thr2016=; no amino-acid change (threonine 2016 retained).
Molecular consequence: synonymous variant.
Genome position (GRCh38, 1-based): chrX:154,353,179, C>T on the plus strand (G>A on the coding strand, the complement: FLNA is on the minus strand). VCF-style: chrX-154353179-C-T. GRCh37 (hg19) VCF-style: chrX-153581547-C-T.
Other names: c.6024G>A, p.Thr2008= (NM_001456.4); c.6048G>A (NM_001110556.1).
Identifiers: ClinVar variation 514722 (VCV000514722.79), dbSNP rs782745205, ClinGen allele CA10560170.

ClinVar aggregate classification (germline): Benign/Likely benign. Review status: criteria provided, multiple submitters, no conflicts (2 of 4 stars). 7 submissions from 7 submitters: Benign (1); Likely benign (5). 1 of the submissions does not count toward it. Last evaluated 2026-01-14.

Conditions:
Frontometaphyseal dysplasia (FMD1). Identifiers: Orphanet 1826, MedGen C0265293, MONDO:0015942.
Heterotopia, periventricular, X-linked dominant (PVNH1). Also called: X-linked periventricular heterotopia; PERIVENTRICULAR NODULAR HETEROTOPIA 4; HETEROTOPIA, PERIVENTRICULAR, 1; PERIVENTRICULAR NODULAR HETEROTOPIA 1. Identifiers: Orphanet 2149, Orphanet 82004, MedGen C1848213, MONDO:0010233, OMIM 300049.
Oto-palato-digital syndrome, type II (OPD2). Also called: Otopalatodigital Syndrome Type 2 (FLNA-OPD2); FACIOPALATOOSSEOUS SYNDROME; Otopalatodigital Syndrome, Type II; OPD II SYNDROME. Identifiers: Orphanet 669, Orphanet 90652, MedGen C1844696, MONDO:0010571, OMIM 304120.
Melnick-Needles syndrome (MNS). Also called: Melnick-Needles Syndrome (FLNA-MNS); MELNICK-NEEDLES OSTEODYSPLASTY; OSTEODYSPLASTY OF MELNICK AND NEEDLES. Identifiers: Orphanet 2484, MedGen C0025237, MONDO:0010650, OMIM 309350.
FLNA-related disorder.
Familial thoracic aortic aneurysm and aortic dissection (TAAD). Also called: Thoracic aortic aneurysms and dissections. Identifiers: Orphanet 91387, MedGen C4707243, MONDO:0019625.

Allele frequency attached by ClinVar (database versions not stated): gnomAD exomes 0.00002 and 0.00004; gnomAD 0.00005; TOPMed 0.00005; ExAC 0.00007.
gnomAD v4.1: 32 of 1,210,322 alleles (0.0026%); highest among the groups gnomAD compares: Admixed American, 0.0044%; no homozygotes.

Submissions (7):

Labcorp Genetics (formerly Invitae), Labcorp
Classification: Benign for Oto-palato-digital syndrome, type II; Heterotopia, periventricular, X-linked dominant; Frontometaphyseal dysplasia; Melnick-Needles syndrome. Last evaluated: 2026-01-14. Review status: criteria provided, single submitter. Criteria: Invitae Variant Classification Sherloc (09022015). Collection method: clinical testing. Allele origin: germline.

Women's Health and Genetics/Laboratory Corporation of America, LabCorp
Classification: Likely benign. Last evaluated: 2024-11-04. Review status: criteria provided, single submitter. Criteria: LabCorp Variant Classification Summary - May 2015. Collection method: clinical testing. Allele origin: germline.

CeGaT Center for Human Genetics Tuebingen
Classification: Likely benign. Last evaluated: 2023-11-01. Review status: criteria provided, single submitter. Criteria: CeGaT Center For Human Genetics Tuebingen Variant Classification Criteria Version 2. Collection method: clinical testing. Allele origin: germline. Affected: yes. Observed: 1 variant allele.
Comment: FLNA: BP4, BP7, BS2

Blueprint Genetics
Classification: Likely benign. Last evaluated: 2023-10-24. Review status: criteria provided, single submitter. Criteria: ACMG Guidelines, 2015. Collection method: clinical testing. Allele origin: germline.

GeneDx
Classification: Likely benign. Last evaluated: 2021-04-20. Review status: criteria provided, single submitter. Criteria: GeneDx Variant Classification Process June 2021. Collection method: clinical testing. Allele origin: germline. Affected: yes.

Ambry Genetics
Classification: Likely benign for Familial thoracic aortic aneurysm and aortic dissection. Last evaluated: 2019-07-16. Review status: criteria provided, single submitter. Criteria: Ambry Variant Classification Scheme 2023. Collection method: clinical testing. Allele origin: germline.

PreventionGenetics, part of Exact Sciences
Classification: Likely benign for FLNA-related condition. Last evaluated: 2024-02-05. Review status: no assertion criteria provided. Collection method: clinical testing. Allele origin: germline. Not counted in ClinVar's aggregate classification.
Comment: This variant is classified as likely benign based on ACMG/AMP sequence variant interpretation guidelines (Richards et al. 2015 PMID: 25741868, with internal and published modifications).